The following is an entry in ClinVar:

ClinVar aggregate classification (germline): Likely pathogenic. Review status: criteria provided, single submitter (1 of 4 stars). 2 submissions from 2 submitters: Likely pathogenic (1). 1 of the submissions does not count toward it. Last evaluated 2023-01-12.

Conditions:
MEGALENCEPHALIC LEUKOENCEPHALOPATHY WITH SUBCORTICAL CYSTS 2B, REMITTING, WITH IMPAIRED INTELLECTUAL DEVELOPMENT.

Submissions (2):

GeneDx
Classification: Likely pathogenic. Last evaluated: 2023-01-12. Review status: criteria provided, single submitter. Criteria: GeneDx Variant Classification Process June 2021. Collection method: clinical testing. Allele origin: germline. Affected: yes.
Comment: Published functional studies demonstrate a damaging effect on protein function (Lpez-Hernndez et al., 2011; Arnedo et al., 2014); In silico analysis supports that this missense variant does not alter protein structure/function; Not observed at significant frequency in large population cohorts (gnomAD); This variant is associated with the following publications: (PMID: 20517947, 21419380, 22405205, 24647135, 21624973, 31960914, 25044933)

OMIM
Classification: Pathogenic for MEGALENCEPHALIC LEUKOENCEPHALOPATHY WITH SUBCORTICAL CYSTS 2B, REMITTING, WITH IMPAIRED INTELLECTUAL DEVELOPMENT. Last evaluated: 2011-04-08. Review status: no assertion criteria provided. Collection method: literature only. Allele origin: germline. Not counted in ClinVar's aggregate classification.

Literature cited by the submitters: PubMed 21419380 (cited by OMIM); PubMed 20517947 (cited by OMIM).

NM_152722.5(HEPACAM):c.266G>A (p.Gly89Asp)

Gene: HEPACAM (hepatic and glial cell adhesion molecule; minus strand). Cytogenetic location: 11q24.2.
Variant type: single nucleotide variant.
Coding change: c.266G>A on transcript NM_152722.5 (MANE Select); coding-DNA position 266, G replaced by A.
Protein change: p.Gly89Asp; replaces glycine 89 with aspartic acid.
Molecular consequence: missense variant.
Genome position (GRCh38, 1-based): chr11:124,924,889, C>T on the plus strand (G>A on the coding strand, the complement: HEPACAM is on the minus strand). VCF-style: chr11-124924889-C-T. GRCh37 (hg19) VCF-style: chr11-124794785-C-T.
Other names: c.266G>A (NM_152722.4); short protein forms G89D.
Identifiers: ClinVar variation 30920 (VCV000030920.3), dbSNP rs387907054, ClinGen allele CA129534.
Genomic context (GRCh38, chr11:124,924,889, plus strand): 5'-AGAAGCAGGGAGCCATTTTCAAAGAGTCGGATACGGTCTCGATAGTCAGGCCGCAGGGTG[C>T]CGATGACCTCTGTGCCAATGGACTGCACCACGGTCACTGGCTTGTCCCGCTTCAGCTGCC-3'
Protein context (NP_689935.2, residues 79-99): VVQSIGTEVI[Gly89Asp]TLRPDYRDRI